The following is an entry in ClinVar:

ClinVar aggregate classification (germline): Uncertain significance (1 of 4 stars; one submission).

gnomAD v4.1: 1 of 1,563,972 alleles (0.000064%); highest among the groups gnomAD compares: South Asian, 0.0012%; no homozygotes.

Submission:

Ambry Genetics
Classification: Uncertain significance. Last evaluated: 2026-05-24. Review status: criteria provided, single submitter. Criteria: Ambry Variant Classification Scheme 2023. Collection method: clinical testing. Allele origin: germline.
Comment: The p.V569M variant (also known as c.1705G>A), located in coding exon 7 of the WNK2 gene, results from a G to A substitution at nucleotide position 1705. The valine at codon 569 is replaced by methionine, an amino acid with highly similar properties. This amino acid position is conserved. In addition, this alteration is predicted to be tolerated by in silico analysis. Based on the available evidence, the clinical significance of this variant remains unclear.

NM_006648.4(WNK2):c.1705G>A (p.Val569Met)

Gene: WNK2 (WNK lysine deficient protein kinase 2; plus strand). Cytogenetic location: 9q22.31.
Variant type: single nucleotide variant.
Coding change: c.1705G>A on transcript NM_006648.4 (MANE Select); coding-DNA position 1705, G replaced by A.
Protein change: p.Val569Met; replaces valine 569 with methionine.
Molecular consequence: missense variant.
Genome position (GRCh38, 1-based): chr9:93,247,705, G>A. VCF-style: chr9-93247705-G-A. GRCh37 (hg19) VCF-style: chr9-96009987-G-A.
Other names: c.1705G>A, p.Val569Met (NM_001282394.3); short protein forms V569M.
Identifiers: ClinVar variation 4866705 (VCV004866705.1).